The following is an entry in ClinVar:

ClinVar aggregate classification (germline): Conflicting classifications of pathogenicity. Review status: criteria provided, conflicting classifications (1 of 4 stars). 3 submissions from 3 submitters: Uncertain significance (2); Likely benign (1). Last evaluated 2025-11-04.

Conditions:
DCTN1-related disorder. Also called: DCTN1-related condition.
Inborn genetic diseases. Identifiers: MedGen C0950123, MeSH D030342.
Amyotrophic lateral sclerosis type 1 (ALS1). Also called: AMYOTROPHIC LATERAL SCLEROSIS 1, FAMILIAL. Identifiers: Orphanet 803, MedGen C1862939, MONDO:0007103, OMIM 105400.
Neuronopathy, distal hereditary motor, type 7B. Also called: NEURONOPATHY, DISTAL HEREDITARY MOTOR, AUTOSOMAL DOMINANT 14; NEURONOPATHY, DISTAL HEREDITARY MOTOR, HARDING TYPE VIIB; NEUROPATHY, DISTAL HEREDITARY MOTOR, HARDING TYPE VIIB; NEUROPATHY, DISTAL HEREDITARY MOTOR, WITH VOCAL CORD PARALYSIS, HARDING TYPE VIIB; HMN VIIB; Distal Hereditary Motor Neuronopathy Type 7B (dHMN7B). Identifiers: Orphanet 139589, MedGen C1843315, MONDO:0011879, OMIM 607641.
Perry syndrome. Also called: PARKINSONISM WITH ALVEOLAR HYPOVENTILATION AND MENTAL DEPRESSION. Identifiers: Orphanet 178509, MedGen C1868594, MONDO:0008201, OMIM 168605.

Allele frequency attached by ClinVar (database versions not stated): 1000 Genomes Project 0.00020; ExAC 0.00001; gnomAD 0.00001; gnomAD exomes 0.00001; TOPMed 0.00001; 1000 Genomes Project 30x 0.00016.
gnomAD v4.1: 8 of 1,614,150 alleles (0.0005%); highest among the groups gnomAD compares: Admixed American, 0.013%; no homozygotes.

Submissions (3):

PreventionGenetics, part of Exact Sciences
Classification: Uncertain significance for DCTN1-related condition. Last evaluated: 2025-11-04. Review status: criteria provided, single submitter. Criteria: ACMG Guidelines, 2015. Collection method: clinical testing. Allele origin: germline.
Comment: The DCTN1 c.325C>A variant is predicted to result in the amino acid substitution p.Pro109Thr. To our knowledge, this variant has not been reported in the literature. This variant is reported in 0.014% of alleles in individuals of Latino descent in gnomAD. At this time, the clinical significance of this variant is uncertain due to the absence of conclusive functional and genetic evidence.

Labcorp Genetics (formerly Invitae), Labcorp
Classification: Uncertain significance for Amyotrophic lateral sclerosis type 1; Neuronopathy, distal hereditary motor, type 7B; Perry syndrome. Last evaluated: 2024-03-16. Review status: criteria provided, single submitter. Criteria: Invitae Variant Classification Sherloc (09022015). Collection method: clinical testing. Allele origin: germline.
Comment: This sequence change replaces proline, which is neutral and non-polar, with threonine, which is neutral and polar, at codon 109 of the DCTN1 protein (p.Pro109Thr). This variant is present in population databases (rs146896442, gnomAD 0.01%). This variant has not been reported in the literature in individuals affected with DCTN1-related conditions. ClinVar contains an entry for this variant (Variation ID: 1729506). Advanced modeling of protein sequence and biophysical properties (such as structural, functional, and spatial information, amino acid conservation, physicochemical variation, residue mobility, and thermodynamic stability) performed at Invitae indicates that this missense variant is not expected to disrupt DCTN1 protein function with a negative predictive value of 80%. In summary, the available evidence is currently insufficient to determine the role of this variant in disease. Therefore, it has been classified as a Variant of Uncertain Significance.

Ambry Genetics
Classification: Likely benign for Inborn genetic diseases. Last evaluated: 2022-06-27. Review status: criteria provided, single submitter. Criteria: Ambry Variant Classification Scheme 2023. Collection method: clinical testing. Allele origin: germline.

NM_004082.5(DCTN1):c.325C>A (p.Pro109Thr)

Gene: DCTN1 (dynactin subunit 1; minus strand). Cytogenetic location: 2p13.1.
Variant type: single nucleotide variant.
Coding change: c.325C>A on transcript NM_004082.5 (MANE Select); coding-DNA position 325, C replaced by A.
Protein change: p.Pro109Thr; replaces proline 109 with threonine.
Molecular consequence: missense variant. On other transcripts: non-coding transcript variant (1).
Genome position (GRCh38, 1-based): chr2:74,377,681, G>T on the plus strand (C>A on the coding strand, the complement: DCTN1 is on the minus strand). VCF-style: chr2-74377681-G-T. GRCh37 (hg19) VCF-style: chr2-74604808-G-T.
Other names: c.325C>A, p.Pro109Thr (NM_001135040.3, NM_001190837.2); c.274C>A, p.Pro92Thr (NM_001190836.2, NM_001378991.1, NM_001378992.1); short protein forms P92T, P109T.
Identifiers: ClinVar variation 1729506 (VCV001729506.8), dbSNP rs146896442, ClinGen allele CA1722553.